The following is an entry in ClinVar:

NM_000321.3(RB1):c.1040C>A (p.Ser347Tyr)

Gene: RB1 (RB transcriptional corepressor 1; plus strand). Cytogenetic location: 13q14.2.
Variant type: single nucleotide variant.
Coding change: c.1040C>A on transcript NM_000321.3 (MANE Select); coding-DNA position 1040, C replaced by A.
Protein change: p.Ser347Tyr; replaces serine 347 with tyrosine.
Molecular consequence: missense variant.
Genome position (GRCh38, 1-based): chr13:48,367,594, C>A. VCF-style: chr13-48367594-C-A. GRCh37 (hg19) VCF-style: chr13-48941730-C-A.
Other names: c.1040C>A, p.Ser347Tyr (NM_001407165.1, NM_001407166.1); short protein forms S347Y.
Identifiers: ClinVar variation 3231177 (VCV003231177.1), dbSNP rs2138121506, ClinGen allele CA388160937.

ClinVar aggregate classification (germline): Uncertain significance (1 of 4 stars; one submission).

Conditions:
Hereditary cancer-predisposing syndrome. Also called: Neoplastic Syndromes, Hereditary; Tumor predisposition; Hereditary neoplastic syndrome; Hereditary Cancer Syndrome. Identifiers: Orphanet 140162, MedGen C0027672, MeSH D009386, MONDO:0015356.

Submission:

Ambry Genetics
Classification: Uncertain significance for Hereditary cancer-predisposing syndrome. Last evaluated: 2024-02-27. Review status: criteria provided, single submitter. Criteria: Ambry Variant Classification Scheme 2023. Collection method: clinical testing. Allele origin: germline.
Comment: The p.S347Y variant (also known as c.1040C>A), located in coding exon 10 of the RB1 gene, results from a C to A substitution at nucleotide position 1040. The serine at codon 347 is replaced by tyrosine, an amino acid with dissimilar properties. This amino acid position is conserved. In addition, this alteration is predicted to be tolerated by in silico analysis. Based on the available evidence, the clinical significance of this alteration remains unclear.